The following is an entry in ClinVar:

NM_015957.4(APIP):c.383T>C (p.Phe128Ser)

Gene: APIP (APAF1 interacting protein; minus strand). Cytogenetic location: 11p13.
Variant type: single nucleotide variant.
Coding change: c.383T>C on transcript NM_015957.4 (MANE Select); coding-DNA position 383, T replaced by C.
Protein change: p.Phe128Ser; replaces phenylalanine 128 with serine.
Molecular consequence: missense variant.
Genome position (GRCh38, 1-based): chr11:34,888,371, A>G on the plus strand (T>C on the coding strand, the complement: APIP is on the minus strand). VCF-style: chr11-34888371-A-G. GRCh37 (hg19) VCF-style: chr11-34909918-A-G.
Other names: short protein forms F128S.
Identifiers: ClinVar variation 4862215 (VCV004862215.1).

ClinVar aggregate classification (germline): Uncertain significance (1 of 4 stars; one submission).

gnomAD v4.1: 2 of 1,611,430 alleles (0.00012%); highest among the groups gnomAD compares: Non-Finnish European, 0.00017%; no homozygotes.

Submission:

Ambry Genetics
Classification: Uncertain significance. Last evaluated: 2026-03-31. Review status: criteria provided, single submitter. Criteria: Ambry Variant Classification Scheme 2023. Collection method: clinical testing. Allele origin: germline.
Comment: The c.383T>C (p.F128S) alteration is located in exon 5 (coding exon 5) of the APIP gene. This alteration results from a T to C substitution at nucleotide position 383, causing the phenylalanine (F) at amino acid position 128 to be replaced by a serine (S). Based on data from gnomAD, the C allele has an overall frequency of <0.001% (1/248606) total alleles studied. The highest observed frequency was 0.001% (1/113060) of European (non-Finnish) alleles. Based on insufficient or conflicting evidence, the clinical significance of this alteration remains unclear.